The following is an entry in ClinVar:

ClinVar aggregate classification (germline): Benign. Review status: criteria provided, multiple submitters, no conflicts (2 of 4 stars). 8 submissions from 8 submitters: Benign (7). 1 of the submissions does not count toward it. Last evaluated 2026-02-03.

Conditions:
Inborn genetic diseases. Identifiers: MedGen C0950123, MeSH D030342.
Rafiq syndrome (RAFQS). Identifiers: Orphanet 88616, MedGen C3280127, MONDO:0013624, OMIM 614202.

Allele frequency attached by ClinVar (database versions not stated): gnomAD exomes 0.99105 and 0.97862; TOPMed 0.91150; ESP Exome Variant Server 0.91416; 1000 Genomes Project 0.90535; gnomAD 0.92176 and 0.91637; 1000 Genomes Project 30x 0.90287; ExAC 0.97588.
gnomAD v4.1: 1,567,160 of 1,592,650 alleles (98%); highest among the groups gnomAD compares: Non-Finnish European, 100%; 773,781 homozygotes.

Submissions (8):

Labcorp Genetics (formerly Invitae), Labcorp
Classification: Benign for Rafiq syndrome. Last evaluated: 2026-02-03. Review status: criteria provided, single submitter. Criteria: Invitae Variant Classification Sherloc (09022015). Collection method: clinical testing. Allele origin: germline.

Genome-Nilou Lab
Classification: Benign for Rafiq syndrome. Last evaluated: 2021-09-05. Review status: criteria provided, single submitter. Criteria: ACMG Guidelines, 2015. Collection method: clinical testing. Allele origin: germline. Affected: no.

GeneDx
Classification: Benign. Last evaluated: 2018-06-14. Review status: criteria provided, single submitter. Criteria: GeneDx Variant Classification (06012015). Collection method: clinical testing. Allele origin: germline. Affected: yes.
Comment: This variant is considered likely benign or benign based on one or more of the following criteria: it is a conservative change, it occurs at a poorly conserved position in the protein, it is predicted to be benign by multiple in silico algorithms, and/or has population frequency not consistent with disease.

Illumina Laboratory Services, Illumina
Classification: Benign for Rafiq syndrome. Last evaluated: 2018-01-13. Review status: criteria provided, single submitter. Criteria: ICSL Variant Classification Criteria 13 December 2019. Collection method: clinical testing. Allele origin: germline.
Comment: This variant was observed in the ICSL laboratory as part of a predisposition screen in an ostensibly healthy population. It had not been previously curated by ICSL or reported in the Human Gene Mutation Database (HGMD: prior to June 1st, 2018), and was therefore a candidate for classification through an automated scoring system. Utilizing variant allele frequency, disease prevalence and penetrance estimates, and inheritance mode, an automated score was calculated to assess if this variant is too frequent to cause the disease. Based on the score and internal cut-off values, a variant classified as benign is not then subjected to further curation. The score for this variant resulted in a classification of benign for this disease.

Mayo Clinic Laboratories, Mayo Clinic
Classification: Benign. Last evaluated: 2016-05-11. Review status: criteria provided, single submitter. Criteria: ACMG Guidelines, 2015. Collection method: clinical testing. Allele origin: germline. Observed: 43 variant alleles.

Ambry Genetics
Classification: Benign for Inborn genetic diseases. Last evaluated: 2016-03-11. Review status: criteria provided, single submitter. Criteria: Ambry Variant Classification Scheme 2023. Collection method: clinical testing. Allele origin: germline.

Breakthrough Genomics
Classification: Benign. Review status: criteria provided, single submitter. Criteria: ACMG Guidelines, 2015. Collection method: not provided. Allele origin: germline. Inheritance: Autosomal recessive inheritance. Affected: yes.

Genetic Services Laboratory, University of Chicago
Classification: Likely benign for AllHighlyPenetrant. Review status: no assertion criteria provided. Collection method: clinical testing. Allele origin: germline. Inheritance: Autosomal recessive inheritance. Not counted in ClinVar's aggregate classification.
Comment: Likely benign based on allele frequency in 1000 Genomes Project or ESP global frequency and its presence in a patient with a rare or unrelated disease phenotype. NOT Sanger confirmed.

NM_016219.5(MAN1B1):c.176A>G (p.Asn59Ser)

Genes: MAN1B1 (mannosidase alpha class 1B member 1; plus strand), LOC130003079 (ATAC-STARR-seq lymphoblastoid silent region 20579; plus strand). Cytogenetic location: 9q34.3.
Variant type: single nucleotide variant.
Coding change: c.176A>G on transcript NM_016219.5 (MANE Select); coding-DNA position 176, A replaced by G.
Protein change: p.Asn59Ser; replaces asparagine 59 with serine.
Molecular consequence: missense variant. On other transcripts: non-coding transcript variant (2).
Genome position (GRCh38, 1-based): chr9:137,087,175, A>G. VCF-style: chr9-137087175-A-G. GRCh37 (hg19) VCF-style: chr9-139981627-A-G.
Other names: short protein forms N59S.
Identifiers: ClinVar variation 129574 (VCV000129574.27), dbSNP rs968733, ClinGen allele CA153653.